The following is an entry in ClinVar:

ClinVar aggregate classification (germline): Conflicting classifications of pathogenicity. Review status: criteria provided, conflicting classifications (1 of 4 stars). 7 submissions from 7 submitters: Uncertain significance (6); Likely benign (1). Last evaluated 2026-05-27.

Conditions:
COL11A2-related disorder. Also called: COL11A2-related disorders; COL11A2-related condition.
Inborn genetic diseases. Identifiers: MedGen C0950123, MeSH D030342.

Allele frequency attached by ClinVar (database versions not stated): ExAC 0.00007; gnomAD 0.00008; gnomAD exomes 0.00009; TOPMed 0.00009; ESP Exome Variant Server 0.00012.
gnomAD v4.1: 259 of 1,613,014 alleles (0.016%); highest among the groups gnomAD compares: Non-Finnish European, 0.02%; no homozygotes.

Submissions (7):

PreventionGenetics, part of Exact Sciences
Classification: Uncertain significance for COL11A2-related condition. Last evaluated: 2026-05-27. Review status: criteria provided, single submitter. Criteria: ACMG Guidelines, 2015. Collection method: clinical testing. Allele origin: germline.
Comment: The COL11A2 c.539G>A variant is predicted to result in the amino acid substitution p.Arg180His. This variant has been reported in a control individual in a cohort study of adolescent idiopathic scoliosis (Haller et al. 2016. PubMed ID: 26566670). This variant is reported in 0.015% of alleles in individuals of European (Non-Finnish) descent in gnomAD. At this time, the clinical significance of this variant is uncertain due to the absence of conclusive functional and genetic evidence.

Labcorp Genetics (formerly Invitae), Labcorp
Classification: Uncertain significance. Last evaluated: 2026-01-27. Review status: criteria provided, single submitter. Criteria: Invitae Variant Classification Sherloc (09022015). Collection method: clinical testing. Allele origin: germline.
Comment: This sequence change replaces arginine, which is basic and polar, with histidine, which is basic and polar, at codon 180 of the COL11A2 protein (p.Arg180His). This variant is present in population databases (rs142462583, gnomAD 0.01%). This missense change has been observed in individual(s) with adolescent idiopathic scoliosis. (PMID: 26566670). ClinVar contains an entry for this variant (Variation ID: 439497). Invitae Evidence Modeling of protein sequence and biophysical properties (such as structural, functional, and spatial information, amino acid conservation, physicochemical variation, residue mobility, and thermodynamic stability) indicates that this missense variant is not expected to disrupt COL11A2 protein function with a negative predictive value of 95%. In summary, the available evidence is currently insufficient to determine the role of this variant in disease. Therefore, it has been classified as a Variant of Uncertain Significance.

Ambry Genetics
Classification: Uncertain significance for Inborn genetic diseases. Last evaluated: 2025-12-29. Review status: criteria provided, single submitter. Criteria: Ambry Variant Classification Scheme 2023. Collection method: clinical testing. Allele origin: germline.

GeneDx
Classification: Uncertain significance. Last evaluated: 2024-06-24. Review status: criteria provided, single submitter. Criteria: GeneDx Variant Classification Process June 2021. Collection method: clinical testing. Allele origin: germline. Affected: yes.
Comment: Identified in a patient with adolescent idiopathic scoliosis (AIS) and also seen in control individuals (PMID: 26566670); In silico analysis indicates that this missense variant does not alter protein structure/function; This variant is associated with the following publications: (PMID: 26566670)

Blueprint Genetics
Classification: Likely benign. Last evaluated: 2023-03-31. Review status: criteria provided, single submitter. Criteria: ACMG Guidelines, 2015. Collection method: clinical testing. Allele origin: germline.

ARUP Laboratories, Molecular Genetics and Genomics, ARUP Laboratories
Classification: Uncertain significance. Last evaluated: 2023-01-03. Review status: criteria provided, single submitter. Criteria: ARUP Molecular Germline Variant Investigation Process 2024. Collection method: clinical testing. Allele origin: germline.
Comment: The COL11A2 c.539G>A; p.Arg180His variant (rs142462583), to our knowledge, is not reported in the medical literature but is reported in ClinVar (Variation ID: 439497). This variant is found in the general population with an overall allele frequency of 0.0090% (25/277948 alleles) in the Genome Aggregation Database. The arginine at codon 180 is weakly conserved, and computational analyses predict that this variant is neutral (REVEL: 0.017). Due to limited information, the clinical significance of this variant is uncertain at this time.

Eurofins Ntd Llc (ga)
Classification: Uncertain significance. Last evaluated: 2017-11-13. Review status: criteria provided, single submitter. Criteria: EGL Classification Definitions 2015. Collection method: clinical testing. Allele origin: germline. Observed: 1 variant allele, 1 heterozygote.

Literature cited by the submitters: PubMed 26566670 (cited by Labcorp Genetics (formerly Invitae), Labcorp).

NM_080680.3(COL11A2):c.539G>A (p.Arg180His)

Gene: COL11A2 (collagen type XI alpha 2 chain; minus strand). Cytogenetic location: 6p21.32.
Variant type: single nucleotide variant.
Coding change: c.539G>A on transcript NM_080680.3 (MANE Select); coding-DNA position 539, G replaced by A.
Protein change: p.Arg180His; replaces arginine 180 with histidine.
Molecular consequence: missense variant.
Genome position (GRCh38, 1-based): chr6:33,188,429, C>T on the plus strand (G>A on the coding strand, the complement: COL11A2 is on the minus strand). VCF-style: chr6-33188429-C-T. GRCh37 (hg19) VCF-style: chr6-33156206-C-T.
Other names: c.539G>A, p.Arg180His (NM_001163771.2, NM_080679.3, NM_080681.3); short protein forms R180H.
Identifiers: ClinVar variation 439497 (VCV000439497.28), dbSNP rs142462583, ClinGen allele CA3751640.